The following is an entry in ClinVar:

NC_000012.12:g.121626840G>A

Genes: ORAI1 (ORAI calcium release-activated calcium modulator 1; plus strand), LOC130008987 (ATAC-STARR-seq lymphoblastoid silent region 4981; plus strand). Cytogenetic location: 12q24.31.
Variant type: single nucleotide variant.
Genome position: GRCh38 VCF-style: chr12-121626840-G-A. GRCh37 (hg19) VCF-style: chr12-122064745-G-A.
Other names: c.98G>A, p.Arg33His (NM_032790.4); short protein forms R33H.
Identifiers: ClinVar variation 1023483 (VCV001023483.9), dbSNP rs1465865018, ClinGen allele CA386980519.

ClinVar aggregate classification (germline): Uncertain significance (1 of 4 stars; one submission).

Conditions:
Combined immunodeficiency due to ORAI1 deficiency. Also called: IMMUNODEFICIENCY 9. Identifiers: Orphanet 169090, Orphanet 317428, MedGen C2748568, MONDO:0013007, OMIM 612782.
Myopathy, tubular aggregate, 2 (TAM2). Identifiers: MedGen C4014557, MONDO:0014383, OMIM 615883.

Allele frequency attached by ClinVar (database versions not stated): TOPMed 0.00001.

Submission:

Labcorp Genetics (formerly Invitae), Labcorp
Classification: Uncertain significance for Myopathy, tubular aggregate, 2; Combined immunodeficiency due to ORAI1 deficiency. Last evaluated: 2023-10-13. Review status: criteria provided, single submitter. Criteria: Invitae Variant Classification Sherloc (09022015). Collection method: clinical testing. Allele origin: germline.
Comment: This sequence change replaces arginine, which is basic and polar, with histidine, which is basic and polar, at codon 33 of the ORAI1 protein (p.Arg33His). This variant is not present in population databases (gnomAD no frequency). This variant has not been reported in the literature in individuals affected with ORAI1-related conditions. ClinVar contains an entry for this variant (Variation ID: 1023483). Experimental studies and prediction algorithms are not available or were not evaluated, and the functional significance of this variant is currently unknown. In summary, the available evidence is currently insufficient to determine the role of this variant in disease. Therefore, it has been classified as a Variant of Uncertain Significance.